The following is an entry in ClinVar:

NM_001083961.2(WDR62):c.824C>T (p.Ser275Leu)

Gene: WDR62 (WD repeat domain 62; plus strand). Cytogenetic location: 19q13.12.
Variant type: single nucleotide variant.
Coding change: c.824C>T on transcript NM_001083961.2 (MANE Select); coding-DNA position 824, C replaced by T.
Protein change: p.Ser275Leu; replaces serine 275 with leucine.
Molecular consequence: missense variant.
Genome position (GRCh38, 1-based): chr19:36,067,952, C>T. VCF-style: chr19-36067952-C-T. GRCh37 (hg19) VCF-style: chr19-36558854-C-T.
Other names: c.824C>T, p.Ser275Leu (NM_173636.5); short protein forms S275L.
Identifiers: ClinVar variation 890424 (VCV000890424.18), dbSNP rs202014178, ClinGen allele CA9395398.

ClinVar aggregate classification (germline): Conflicting classifications of pathogenicity. Review status: criteria provided, conflicting classifications (1 of 4 stars). 6 submissions from 6 submitters: Uncertain significance (4); Likely benign (2). Last evaluated 2025-05-27.

Conditions:
Microcephaly 2, primary, autosomal recessive, with or without cortical malformations. Also called: MICROCEPHALY 2, PRIMARY, AUTOSOMAL RECESSIVE, WITH CORTICAL MALFORMATIONS; WDR62 Primary Microcephaly. Identifiers: Orphanet 2512, MedGen C1858535, MONDO:0011435, OMIM 604317.
Inborn genetic diseases. Identifiers: MedGen C0950123, MeSH D030342.

Allele frequency attached by ClinVar (database versions not stated): TOPMed 0.00012; gnomAD 0.00014 and 0.00019; gnomAD exomes 0.00040; ESP Exome Variant Server 0.00008; 1000 Genomes Project 30x 0.00016; ExAC 0.00043.
gnomAD v4.1: 339 of 1,614,154 alleles (0.021%); highest among the groups gnomAD compares: South Asian, 0.22%; 2 homozygotes.

Submissions (6):

Labcorp Genetics (formerly Invitae), Labcorp
Classification: Likely benign. Last evaluated: 2025-05-27. Review status: criteria provided, single submitter. Criteria: Invitae Variant Classification Sherloc (09022015). Collection method: clinical testing. Allele origin: germline.

Blueprint Genetics
Classification: Uncertain significance. Last evaluated: 2024-04-26. Review status: criteria provided, single submitter. Criteria: ACMG Guidelines, 2015. Collection method: clinical testing. Allele origin: germline.

GeneDx
Classification: Uncertain significance. Last evaluated: 2023-08-21. Review status: criteria provided, single submitter. Criteria: GeneDx Variant Classification Process June 2021. Collection method: clinical testing. Allele origin: germline. Affected: yes.
Comment: In silico analysis supports that this missense variant has a deleterious effect on protein structure/function; Has not been previously published as pathogenic or benign to our knowledge

Ambry Genetics
Classification: Likely benign for Inborn genetic diseases. Last evaluated: 2023-05-03. Review status: criteria provided, single submitter. Criteria: Ambry Variant Classification Scheme 2023. Collection method: clinical testing. Allele origin: germline.

Department of Clinical Genetics, Copenhagen University Hospital, Rigshospitalet
Classification: Uncertain significance for Microcephaly 2, primary, autosomal recessive, with or without cortical malformations. Last evaluated: 2021-08-01. Review status: criteria provided, single submitter. Criteria: ACMG Guidelines, 2015. Collection method: clinical testing. Allele origin: inherited. Affected: yes.

Illumina Laboratory Services, Illumina
Classification: Uncertain significance for Microcephaly 2, primary, autosomal recessive, with or without cortical malformations. Last evaluated: 2018-01-13. Review status: criteria provided, single submitter. Criteria: ICSL Variant Classification Criteria 13 December 2019. Collection method: clinical testing. Allele origin: germline.